The following is an entry in ClinVar:

ClinVar aggregate classification (germline): Likely benign (0 of 4 stars; one submission).

Conditions:
NBEAL2-related disorder. Also called: NBEAL2-related condition.

Submission:

PreventionGenetics, part of Exact Sciences
Classification: Likely benign for NBEAL2-related condition. Last evaluated: 2020-12-15. Review status: no assertion criteria provided. Collection method: clinical testing. Allele origin: germline.
Comment: This variant is classified as likely benign based on ACMG/AMP sequence variant interpretation guidelines (Richards et al. 2015 PMID: 25741868, with internal and published modifications).

NM_015175.3(NBEAL2):c.140+6G>T

Gene: NBEAL2 (neurobeachin like 2; plus strand). Cytogenetic location: 3p21.31.
Variant type: single nucleotide variant.
Coding change: c.140+6G>T on transcript NM_015175.3 (MANE Select); 6 bases into the intron after coding-DNA position 140, G replaced by T.
Molecular consequence: intron variant.
Genome position (GRCh38, 1-based): chr3:46,988,763, G>T. VCF-style: chr3-46988763-G-T. GRCh37 (hg19) VCF-style: chr3-47030253-G-T.
Other names: c.119+6G>T (NM_001365116.2).
Identifiers: ClinVar variation 3030162 (VCV003030162.2), dbSNP rs2545183262, ClinGen allele CA2740094370.